The following is an entry in ClinVar:

NM_000256.3(MYBPC3):c.851+2T>C

Gene: MYBPC3 (myosin binding protein C3; minus strand). Cytogenetic location: 11p11.2.
Variant type: single nucleotide variant.
Coding change: c.851+2T>C on transcript NM_000256.3 (MANE Select); the canonical splice donor site of the intron after coding-DNA position 851, T replaced by C.
Molecular consequence: splice donor variant.
Genome position (GRCh38, 1-based): chr11:47,347,649, A>G on the plus strand (T>C on the coding strand, the complement: MYBPC3 is on the minus strand). VCF-style: chr11-47347649-A-G. GRCh37 (hg19) VCF-style: chr11-47369200-A-G.
Identifiers: ClinVar variation 926373 (VCV000926373.14), dbSNP rs1194615408, ClinGen allele CA380333445.
Genomic context (GRCh38, chr11:47,347,649, plus strand): 5'-CCACCCGTCTCAGACCCCTGGGGGTCTGCGGATGGTGCAGGTAGGGCCTGGGGCAGGGGT[A>G]CCTGATCCGCCGACCACCTCCAGCCAGGCTCCTGTGGGGGTTAGACTCAGTATCCTCACC-3'

ClinVar aggregate classification (germline): Conflicting classifications of pathogenicity. Review status: criteria provided, conflicting classifications (1 of 4 stars). 5 submissions from 5 submitters: Likely pathogenic (3); Uncertain significance (2). Last evaluated 2026-09-12.

Conditions:
Cardiomyopathy (CMYO). Also called: Cardiomyopathies. Identifiers: Orphanet 167848, MedGen C0878544, MONDO:0004994, HP:0001638. Inheritance: Various modes of inheritance.
Cardiovascular phenotype. Identifiers: MedGen CN230736.
Hypertrophic cardiomyopathy 4. Also called: Familial hypertrophic cardiomyopathy 4. Identifiers: MedGen C1861862, MONDO:0007268, OMIM 115197.
Hypertrophic cardiomyopathy. Also called: HYPERTROPHIC MYOCARDIOPATHY. Identifiers: Orphanet 217569, MedGen C0007194, MeSH D002312, MONDO:0005045, HP:0001639.

Allele frequency attached by ClinVar (database versions not stated): gnomAD exomes 0.00001 and below 0.00001.
gnomAD v4.1: 2 of 1,573,916 alleles (0.00013%); highest among the groups gnomAD compares: South Asian, 0.0023%; no homozygotes.

Submissions (5):

GeneDx
Classification: Likely pathogenic. Last evaluated: 2026-09-12. Review status: criteria provided, single submitter. Criteria: GeneDx Variant Classification Process June 2021. Collection method: clinical testing. Allele origin: germline.
Comment: Reported in an individual diagnosed with hypertrophic cardiomyopathy, but detailed clinical information and segregation information were not provided (PMID: 38880420); Canonical splice site variant predicted to result in an in-frame loss of the adjacent exon in a gene for which loss of function is a known mechanism of disease; Not observed at significant frequency in large population cohorts (gnomAD); This variant is associated with the following publications: (PMID: 34542152, 36129056, 33087929, 38880420)

Ambry Genetics
Classification: Uncertain significance for Cardiovascular phenotype. Last evaluated: 2026-07-01. Review status: criteria provided, single submitter. Criteria: Ambry Variant Classification Scheme 2023. Collection method: clinical testing. Allele origin: germline.
Comment: The c.851+2T>C intronic variant results from a T to C substitution two nucleotides after coding exon 8 in the MYBPC3 gene. This nucleotide position is highly conserved in available vertebrate species. In silico splice site analysis predicts that this alteration may weaken the native splice donor site. Variants that disrupt the canonical splice site are expected to cause aberrant splicing, resulting in an abnormal protein or a transcript that is subject to nonsense-mediated mRNA decay; however, +2T>C variants are capable of generating wild-type transcripts in some genomic contexts and should be interpreted with caution (Lin JH et al. Hum Mutat. 2019 10;40:1856-1873). Also, a resulting transcript is predicted to be in-frame and is not expected to trigger nonsense-mediated mRNA decay, although direct evidence is unavailable. Based on the available evidence, the clinical significance of this variant remains unclear.

Labcorp Genetics (formerly Invitae), Labcorp
Classification: Likely pathogenic for Hypertrophic cardiomyopathy. Last evaluated: 2024-10-05. Review status: criteria provided, single submitter. Criteria: Invitae Variant Classification Sherloc (09022015). Collection method: clinical testing. Allele origin: germline.
Comment: This sequence change affects a donor splice site in intron 8 of the MYBPC3 gene. It is expected to disrupt RNA splicing. Variants that disrupt the donor or acceptor splice site typically lead to a loss of protein function (PMID: 16199547), and loss-of-function variants in MYBPC3 are known to be pathogenic (PMID: 19574547). The frequency data for this variant in the population databases is considered unreliable, as metrics indicate poor data quality at this position in the gnomAD database. This variant has not been reported in the literature in individuals affected with MYBPC3-related conditions. ClinVar contains an entry for this variant (Variation ID: 926373). Algorithms developed to predict the effect of sequence changes on RNA splicing suggest that this variant may disrupt the consensus splice site. In summary, the currently available evidence indicates that the variant is pathogenic, but additional data are needed to prove that conclusively. Therefore, this variant has been classified as Likely Pathogenic.

Color Diagnostics, LLC DBA Color Health
Classification: Uncertain significance for Cardiomyopathy. Last evaluated: 2024-01-16. Review status: criteria provided, single submitter. Criteria: ACMG Guidelines, 2015. Collection method: clinical testing. Allele origin: germline.
Comment: This variant causes a G to A nucleotide substitution at the +2 position of intron 8 of the MYBPC3 gene. This variants causes GT to GC substitution at the +1/+2 canonical positions in intron 8 splice donor site. Splice site prediction tools predict that this variant may have a significant impact on RNA splicing. To our knowledge, functional studies have not been reported for this variant. This variant is likely to cause an in-frame skipping of exon 8 (30 bp-long; amino acids 274-284). To date, no pathogenic missense variants have been reported in this exon (ClinVar). This variant has not been reported in individuals affected with MYBPC3-related disorders in the literature. This variant has been identified in 1/186360 chromosomes in the general population by the Genome Aggregation Database (gnomAD). Although there is a suspicion that this variant may be associated with disease, additional studies are necessary to determine the role of this variant in disease conclusively. Therefore, this variant is classified as a Variant of Uncertain Significance.

Neuberg Centre For Genomic Medicine, NCGM
Classification: Likely pathogenic for Hypertrophic cardiomyopathy 4. Last evaluated: 2023-05-20. Review status: criteria provided, single submitter. Criteria: ACMG Guidelines, 2015. Collection method: clinical testing. Allele origin: germline. Inheritance: Autosomal dominant inheritance. Affected: yes.
Comment: The splice donor c.851+2T>C variant in the MYBPC3 gene has not been reported previously as a pathogenic variant nor as a benign variant, to our knowledge. This variant is reported with the allele frequency (0.0005%) in the gnomAD Exomes. The variant affects the GT donor splice site downstream of exon 8. The splice AI tool predicts Benging. Loss of function variants have been previously reported to be disease causing. For these reasons, this variant has been classified as Likely Pathogenic.

Literature cited by the submitters: PubMed 16199547 (cited by Labcorp Genetics (formerly Invitae), Labcorp); PubMed 19574547 (cited by Labcorp Genetics (formerly Invitae), Labcorp).